The following is an entry in ClinVar:

ClinVar aggregate classification (germline): Uncertain significance (1 of 4 stars; one submission).

Conditions:
Cardiovascular phenotype. Identifiers: MedGen CN230736.

Submission:

Ambry Genetics
Classification: Uncertain significance for Cardiovascular phenotype. Last evaluated: 2025-05-14. Review status: criteria provided, single submitter. Criteria: Ambry Variant Classification Scheme 2023. Collection method: clinical testing. Allele origin: germline.
Comment: The c.58_66delCTGCTGCTG variant (also known as p.L20_L22del) is located in coding exon 1 of the APOB gene. This variant results from an in-frame deletion of 9 nucleotides (CTGCTGCTG) at positions 58 to 66, causing a deletion of three leucine residues at codon 20 to 22. This amino acid position is not well conserved in available vertebrate species. In addition, this variant is predicted to be neutral by in silico analysis (Choi Y et al. PLoS ONE. 2012; 7(10):e46688). Since supporting evidence is limited at this time, the clinical significance of this variant remains unclear.

NM_000384.3(APOB):c.49CTG[3] (p.Leu20_Leu22del)

Genes: APOB (apolipoprotein B; minus strand), LOC106560211 (APOB 5' regulatory region; plus strand). Cytogenetic location: 2p24.1.
Variant type: Microsatellite.
Coding change: c.49CTG[3] on transcript NM_000384.3 (MANE Select); three copies in a row of the 3-base unit CTG starting at c.49; the reference has six copies in a row; three copies, 9 bases deleted.
Protein change: p.Leu20_Leu22del.
Molecular consequence: inframe deletion.
Genome position (GRCh38, 1-based): chr2:21,043,880-21,043,888, CAGCAGCAG deleted on the plus strand (CTGCTGCTG on the coding strand, the reverse complement: APOB is on the minus strand); deleting any 9 consecutive bases within chr2:21,043,880-21,043,898 gives the same sequence; the position shown is the placement nearest the transcript's 3' end. VCF-style (leftmost placement, unchanged base first): chr2-21043879-CCAGCAGCAG-C. GRCh37 (hg19) VCF-style: chr2-21266751-CCAGCAGCAG-C.
Identifiers: ClinVar variation 1749777 (VCV001749777.3), dbSNP rs745520533, ClinGen allele CA2580611599.